The following is an entry in ClinVar:

ClinVar aggregate classification (germline): Uncertain significance (1 of 4 stars; one submission).

Conditions:
Spastic paraplegia. Identifiers: MedGen C0037772, HP:0001258.

Submission:

Labcorp Genetics (formerly Invitae), Labcorp
Classification: Uncertain significance for Spastic paraplegia. Last evaluated: 2024-10-22. Review status: criteria provided, single submitter. Criteria: Invitae Variant Classification Sherloc (09022015). Collection method: clinical testing. Allele origin: germline.
Comment: This sequence change replaces glutamine, which is neutral and polar, with proline, which is neutral and non-polar, at codon 1923 of the SACS protein (p.Gln1923Pro). This variant is not present in population databases (gnomAD no frequency). This variant has not been reported in the literature in individuals affected with SACS-related conditions. ClinVar contains an entry for this variant (Variation ID: 958904). Invitae Evidence Modeling of protein sequence and biophysical properties (such as structural, functional, and spatial information, amino acid conservation, physicochemical variation, residue mobility, and thermodynamic stability) indicates that this missense variant is not expected to disrupt SACS protein function with a negative predictive value of 95%. In summary, the available evidence is currently insufficient to determine the role of this variant in disease. Therefore, it has been classified as a Variant of Uncertain Significance.

NM_014363.6(SACS):c.5768A>C (p.Gln1923Pro)

Gene: SACS (sacsin molecular chaperone; minus strand). Cytogenetic location: 13q12.12.
Variant type: single nucleotide variant.
Coding change: c.5768A>C on transcript NM_014363.6 (MANE Select); coding-DNA position 5768, A replaced by C.
Protein change: p.Gln1923Pro; replaces glutamine 1923 with proline.
Molecular consequence: missense variant.
Genome position (GRCh38, 1-based): chr13:23,338,108, T>G on the plus strand (A>C on the coding strand, the complement: SACS is on the minus strand). VCF-style: chr13-23338108-T-G. GRCh37 (hg19) VCF-style: chr13-23912247-T-G.
Other names: c.5327A>C, p.Gln1776Pro (NM_001278055.2); short protein forms Q1923P, Q1776P.
Identifiers: ClinVar variation 958904 (VCV000958904.9), dbSNP rs1868830508, ClinGen allele CA387524814.
Genomic context (GRCh38, chr13:23,338,108, plus strand): 5'-TAGTAAGTATAATCCATTAGCTCCCCACTAGTGGCCAGGTCCCGTAAGACACTCAGTACC[T>G]GTAAGTAAGCTTTCACAATAACATGTCTCATGAACGTGGTATTCCATCGTCCTTTTGTAT-3'
Protein context (NP_055178.3, residues 1913-1933): MRHVIVKAYL[Gln1923Pro]VLSVLRDLAT